The following is an entry in ClinVar:

NM_006904.7(PRKDC):c.11C>T (p.Ser4Phe)

Genes: PRKDC (protein kinase, DNA-activated, catalytic subunit; minus strand), LOC129929030 (ATAC-STARR-seq lymphoblastoid silent region 19177; plus strand). Cytogenetic location: 8q11.21.
Variant type: single nucleotide variant.
Coding change: c.11C>T on transcript NM_006904.7 (MANE Select); coding-DNA position 11, C replaced by T.
Protein change: p.Ser4Phe; replaces serine 4 with phenylalanine.
Molecular consequence: missense variant.
Genome position (GRCh38, 1-based): chr8:47,960,116, G>A on the plus strand (C>T on the coding strand, the complement: PRKDC is on the minus strand). VCF-style: chr8-47960116-G-A. GRCh37 (hg19) VCF-style: chr8-48872676-G-A.
Other names: c.11C>T, p.Ser4Phe (NM_001081640.2); short protein forms S4F.
Identifiers: ClinVar variation 863056 (VCV000863056.6), dbSNP rs1406641105, ClinGen allele CA371143133.

ClinVar aggregate classification (germline): Uncertain significance (1 of 4 stars; one submission).

Conditions:
Severe combined immunodeficiency due to DNA-PKcs deficiency. Also called: IMMUNODEFICIENCY 26 WITH NEUROLOGIC ABNORMALITIES; Immunodeficiency 26 with or without neurologic abnormalities. Identifiers: Orphanet 317425, MedGen C4014833, MONDO:0014423, OMIM 615966.

gnomAD v4.1: 11 of 1,502,882 alleles (0.00073%); highest among the groups gnomAD compares: Non-Finnish European, 0.00088%; no homozygotes.

Submission:

Labcorp Genetics (formerly Invitae), Labcorp
Classification: Uncertain significance for Severe combined immunodeficiency due to DNA-PKcs deficiency. Last evaluated: 2019-04-26. Review status: criteria provided, single submitter. Criteria: Invitae Variant Classification Sherloc (09022015). Collection method: clinical testing. Allele origin: germline.
Comment: In summary, the available evidence is currently insufficient to determine the role of this variant in disease. Therefore, it has been classified as a Variant of Uncertain Significance. Algorithms developed to predict the effect of missense changes on protein structure and function are either unavailable or do not agree on the potential impact of this missense change (SIFT: "Deleterious"; PolyPhen-2: "Benign"; Align-GVGD: "Class C0"). This variant has not been reported in the literature in individuals with PRKDC-related conditions. The frequency data for this variant in the population databases is considered unreliable, as metrics indicate insufficient coverage at this position in the ExAC database. This sequence change replaces serine with phenylalanine at codon 4 of the PRKDC protein (p.Ser4Phe). The serine residue is weakly conserved and there is a large physicochemical difference between serine and phenylalanine.